The following is an entry in ClinVar:

ClinVar aggregate classification (germline): Uncertain significance (1 of 4 stars; one submission).

Submission:

Ambry Genetics
Classification: Uncertain significance. Last evaluated: 2017-03-01. Review status: criteria provided, single submitter. Criteria: Ambry Variant Classification Scheme 2023. Collection method: clinical testing. Allele origin: germline.
Comment: The p.A631V variant (also known as c.1892C>T), located in coding exon 4 of the TMPO gene, results from a C to T substitution at nucleotide position 1892. The alanine at codon 631 is replaced by valine, an amino acid with similar properties. This amino acid position is highly conserved on limited sequence alignment. In addition, the in silico prediction for this alteration is inconclusive. Since supporting evidence is limited at this time, the clinical significance of this variant remains unclear.

NM_001032283.3(TMPO):c.565+2311C>T

Gene: TMPO (thymopoietin; plus strand). Cytogenetic location: 12q23.1.
Variant type: single nucleotide variant.
Coding change: c.565+2311C>T on transcript NM_001032283.3 (MANE Select); 2311 bases into the intron after coding-DNA position 565, C replaced by T.
Molecular consequence: intron variant. On other transcripts: missense variant (1).
Genome position (GRCh38, 1-based): chr12:98,534,149, C>T. VCF-style: chr12-98534149-C-T. GRCh37 (hg19) VCF-style: chr12-98927927-C-T.
Other names: c.1892C>T, p.Ala631Val (NM_003276.2); c.565+2311C>T (NM_001307975.2, NM_001032284.3); short protein forms A631V.
Identifiers: ClinVar variation 264477 (VCV000264477.5), dbSNP rs886039168, ClinGen allele CA10587757.
Genomic context (GRCh38, chr12:98,534,149, plus strand): 5'-CCCACCAAGCGCTTGGGATTCTGAGCAAAACATATGATGCAGCCTCATATATTTGTGAAG[C>T]TGCATTTGATGAAGTGAAGATGGCTGCCCATACCATGGGAAATGCCACTGTAGGTCGTCG-3'